The following is an entry in ClinVar:

NM_012434.5(SLC17A5):c.512_514del (p.Glu171del)

Gene: SLC17A5 (solute carrier family 17 member 5; minus strand). Cytogenetic location: 6q13.
Variant type: Deletion.
Coding change: c.512_514del on transcript NM_012434.5 (MANE Select); coding-DNA positions 512 to 514, 3 bases deleted (AAG; older notation c.512_514delAAG).
Protein change: p.Glu171del; deletes glutamic acid 171.
Molecular consequence: inframe deletion.
Genome position (GRCh38, 1-based): chr6:73,641,702-73,641,704, CTT deleted on the plus strand (AAG on the coding strand, the reverse complement: SLC17A5 is on the minus strand); deleting any 3 consecutive bases within chr6:73,641,702-73,641,706 gives the same sequence; the c. name uses the placement nearest the transcript's 3' end. VCF-style (leftmost placement, unchanged base first): chr6-73641701-CCTT-C. GRCh37 (hg19) VCF-style: chr6-74351424-CCTT-C.
Other names: c.281_283del, p.Glu94del (NM_001382629.1, NM_001382636.1); c.512_514del, p.Glu171del (NM_001382630.1, NM_001382632.1, NM_001382633.1 and 2 more transcripts); c.533_535del, p.Glu178del (NM_001382631.1); short protein forms E178del, E171del, E94del.
Identifiers: ClinVar variation 1372647 (VCV001372647.6), dbSNP rs2150118267, ClinGen allele CA2573141129.

ClinVar aggregate classification (germline): Uncertain significance (1 of 4 stars; one submission).

Conditions:
Salla disease (SD). Also called: Sialuria, Finnish type; N-acetylneuraminic acid (NANA) storage disease (NSD); Infantile sialic acid storage disorder (ISSD); Less Severe FSASD (Salla Disease). Identifiers: Orphanet 309334, Orphanet 834, MedGen C1096903, MONDO:0011449, OMIM 604369.

Submission:

Labcorp Genetics (formerly Invitae), Labcorp
Classification: Uncertain significance for Salla disease. Last evaluated: 2021-08-14. Review status: criteria provided, single submitter. Criteria: Invitae Variant Classification Sherloc (09022015). Collection method: clinical testing. Allele origin: germline.
Comment: This variant, c.512_514del, results in the deletion of 1 amino acid(s) of the SLC17A5 protein (p.Glu171del), but otherwise preserves the integrity of the reading frame. This variant is not present in population databases (ExAC no frequency). This variant has not been reported in the literature in individuals affected with SLC17A5-related conditions. Experimental studies and prediction algorithms are not available or were not evaluated, and the functional significance of this variant is currently unknown. In summary, the available evidence is currently insufficient to determine the role of this variant in disease. Therefore, it has been classified as a Variant of Uncertain Significance.